The following is an entry in ClinVar:

ClinVar aggregate classification (germline): Pathogenic (1 of 4 stars; one submission).

Conditions:
Hereditary cancer-predisposing syndrome. Also called: Neoplastic Syndromes, Hereditary; Tumor predisposition; Hereditary Cancer Syndrome; Hereditary neoplastic syndrome. Identifiers: Orphanet 140162, MedGen C0027672, MeSH D009386, MONDO:0015356.

Submission:

Ambry Genetics
Classification: Pathogenic for Hereditary cancer-predisposing syndrome. Last evaluated: 2026-04-14. Review status: criteria provided, single submitter. Criteria: Ambry Variant Classification Scheme 2023. Collection method: clinical testing. Allele origin: germline.
Comment: The c.1560delA pathogenic mutation, located in coding exon 9 of the BRCA1 gene, results from a deletion of one nucleotide at nucleotide position 1560, causing a translational frameshift with a predicted alternate stop codon (p.A521Qfs*11). This variant is considered to be rare based on population cohorts in the Genome Aggregation Database (gnomAD). This alteration is expected to result in loss of function by premature protein truncation or nonsense-mediated mRNA decay. As such, this alteration is interpreted as a disease-causing mutation.

NM_007294.4(BRCA1):c.1560del (p.Ala521fs)

Gene: BRCA1 (BRCA1 DNA repair associated; minus strand). Cytogenetic location: 17q21.31.
Variant type: Deletion.
Coding change: c.1560del on transcript NM_007294.4 (MANE Select); coding-DNA position 1560, one base deleted (A; older notation c.1560delA).
Protein change: p.Ala521fs; shifts the reading frame from alanine 521.
Molecular consequence: frameshift variant. On other transcripts: intron variant (137).
Genome position (GRCh38, 1-based): chr17:43,093,971, T deleted on the plus strand (A on the coding strand, the reverse complement: BRCA1 is on the minus strand); the first of 3 consecutive T bases (chr17:43,093,971-43,093,973); deleting any one gives the same sequence. VCF-style (leftmost placement, unchanged base first): chr17-43093970-CT-C. GRCh37 (hg19) VCF-style: chr17-41245987-CT-C.
Other names: c.1176del, p.Ala393fs (NM_001407962.1); c.1179del, p.Ala394fs (NM_001407963.1, NM_001407959.1, NM_001407960.1); c.1416del, p.Ala473fs (NM_001407964.1, NM_001407740.1, NM_001407741.1 and 20 more transcripts); c.1056del, p.Ala353fs (NM_001407965.1); c.672del, p.Ala225fs (NM_001407966.1, NM_001407967.1); c.1419del, p.Ala474fs (NM_007297.4, NM_001407692.1, NM_001407694.1 and 29 more transcripts); c.1560del, p.Ala521fs (NM_007300.4, NM_001407684.1, NM_001407854.1 and 30 more transcripts); c.646+773del (NM_001408458.1, NM_001408469.1, NM_001408453.1 and 11 more transcripts); and 41 more; short protein forms A225fs, A353fs, A393fs, A394fs, A409fs, A410fs, A432fs, A433fs.
Identifiers: ClinVar variation 4867719 (VCV004867719.1).